The following is an entry in ClinVar:

NM_016219.5(MAN1B1):c.1297G>T (p.Gly433Trp)

Gene: MAN1B1 (mannosidase alpha class 1B member 1; plus strand). Cytogenetic location: 9q34.3.
Variant type: single nucleotide variant.
Coding change: c.1297G>T on transcript NM_016219.5 (MANE Select); coding-DNA position 1297, G replaced by T.
Protein change: p.Gly433Trp; replaces glycine 433 with tryptophan.
Molecular consequence: missense variant. On other transcripts: non-coding transcript variant (2).
Genome position (GRCh38, 1-based): chr9:137,106,167, G>T. VCF-style: chr9-137106167-G-T. GRCh37 (hg19) VCF-style: chr9-140000619-G-T.
Other names: c.1189G>T, p.Gly397Trp (NM_007230.1); short protein forms G397W, G433W.
Identifiers: ClinVar variation 2046049 (VCV002046049.5), dbSNP rs143450360, ClinGen allele CA5359177.

ClinVar aggregate classification (germline): Uncertain significance. Review status: criteria provided, multiple submitters, no conflicts (2 of 4 stars). 2 submissions from 2 submitters: Uncertain significance (2). Last evaluated 2024-07-06.

Conditions:
Rafiq syndrome (RAFQS). Identifiers: Orphanet 88616, MedGen C3280127, MONDO:0013624, OMIM 614202.

Allele frequency attached by ClinVar (database versions not stated): TOPMed below 0.00001; ExAC 0.00008; ESP Exome Variant Server 0.00023.

Submissions (2):

Blueprint Genetics
Classification: Uncertain significance. Last evaluated: 2024-07-06. Review status: criteria provided, single submitter. Criteria: ACMG Guidelines, 2015. Collection method: clinical testing. Allele origin: germline.

Labcorp Genetics (formerly Invitae), Labcorp
Classification: Uncertain significance for Rafiq syndrome. Last evaluated: 2022-04-11. Review status: criteria provided, single submitter. Criteria: Invitae Variant Classification Sherloc (09022015). Collection method: clinical testing. Allele origin: germline.
Comment: This sequence change replaces glycine, which is neutral and non-polar, with tryptophan, which is neutral and slightly polar, at codon 433 of the MAN1B1 protein (p.Gly433Trp). This variant is present in population databases (rs143450360, gnomAD 0.006%). This variant has not been reported in the literature in individuals affected with MAN1B1-related conditions. Algorithms developed to predict the effect of missense changes on protein structure and function are either unavailable or do not agree on the potential impact of this missense change (SIFT: "Deleterious"; PolyPhen-2: "Probably Damaging"; Align-GVGD: "Class C0"). In summary, the available evidence is currently insufficient to determine the role of this variant in disease. Therefore, it has been classified as a Variant of Uncertain Significance.